The following is an entry in ClinVar:

NM_024570.4(RNASEH2B):c.556A>G (p.Ser186Gly)

Gene: RNASEH2B (ribonuclease H2 subunit B; plus strand). Cytogenetic location: 13q14.3.
Variant type: single nucleotide variant.
Coding change: c.556A>G on transcript NM_024570.4 (MANE Select); coding-DNA position 556, A replaced by G.
Protein change: p.Ser186Gly; replaces serine 186 with glycine.
Molecular consequence: missense variant.
Genome position (GRCh38, 1-based): chr13:50,945,472, A>G. VCF-style: chr13-50945472-A-G. GRCh37 (hg19) VCF-style: chr13-51519608-A-G.
Other names: c.556A>G, p.Ser186Gly (NM_001142279.2, NM_001411023.1); short protein forms S186G.
Identifiers: ClinVar variation 1716456 (VCV001716456.3), dbSNP rs759712178, ClinGen allele CA6985616.

ClinVar aggregate classification (germline): Uncertain significance (1 of 4 stars; one submission).

Conditions:
Aicardi-Goutieres syndrome 2. Identifiers: Orphanet 51, MedGen C3489724, MONDO:0012429, OMIM 610181.

Allele frequency attached by ClinVar (database versions not stated): ExAC 0.00001; gnomAD 0.00001.
gnomAD v4.1: 2 of 1,613,738 alleles (0.00012%); highest among the groups gnomAD compares: Non-Finnish European, 0.00017%; no homozygotes.

Submission:

Labcorp Genetics (formerly Invitae), Labcorp
Classification: Uncertain significance for Aicardi-Goutieres syndrome 2. Last evaluated: 2022-08-15. Review status: criteria provided, single submitter. Criteria: Invitae Variant Classification Sherloc (09022015). Collection method: clinical testing. Allele origin: germline.
Comment: This sequence change replaces serine, which is neutral and polar, with glycine, which is neutral and non-polar, at codon 186 of the RNASEH2B protein (p.Ser186Gly). This variant is present in population databases (rs759712178, gnomAD 0.0009%). This variant has not been reported in the literature in individuals affected with RNASEH2B-related conditions. Algorithms developed to predict the effect of missense changes on protein structure and function output the following: SIFT: "Tolerated"; PolyPhen-2: "Benign"; Align-GVGD: "Class C0". The glycine amino acid residue is found in multiple mammalian species, which suggests that this missense change does not adversely affect protein function. In summary, the available evidence is currently insufficient to determine the role of this variant in disease. Therefore, it has been classified as a Variant of Uncertain Significance.